The following is an entry in ClinVar:

NM_144573.4(NEXN):c.1435C>T (p.Leu479Phe)

Gene: NEXN (nexilin F-actin binding protein; plus strand). Cytogenetic location: 1p31.1.
Variant type: single nucleotide variant.
Coding change: c.1435C>T on transcript NM_144573.4 (MANE Select); coding-DNA position 1435, C replaced by T.
Protein change: p.Leu479Phe; replaces leucine 479 with phenylalanine.
Molecular consequence: missense variant.
Genome position (GRCh38, 1-based): chr1:77,936,006, C>T. VCF-style: chr1-77936006-C-T. GRCh37 (hg19) VCF-style: chr1-78401691-C-T.
Other names: p.L479F:CTT>TTT; c.1243C>T, p.Leu415Phe (NM_001172309.2); short protein forms L479F, L415F.
Identifiers: ClinVar variation 201925 (VCV000201925.28), dbSNP rs181520023, ClinGen allele CA335415.

ClinVar aggregate classification (germline): Conflicting classifications of pathogenicity. Review status: criteria provided, conflicting classifications (1 of 4 stars). 9 submissions from 9 submitters: Uncertain significance (4); Likely benign (3). 2 of the submissions do not count toward it. Last evaluated 2026-05-15.

Conditions:
Cardiovascular phenotype. Identifiers: MedGen CN230736.
Hypertrophic cardiomyopathy 20. Identifiers: MedGen C3151267, MONDO:0013477, OMIM 613876.
Dilated cardiomyopathy 1CC (CMD1CC). Identifiers: Orphanet 154, MedGen C2751084, MONDO:0013147, OMIM 613122.
Primary familial hypertrophic cardiomyopathy (HCM). Identifiers: Orphanet 99739, MedGen C0949658, MeSH D024741, MONDO:0024573. Inheritance: Various modes of inheritance.

Allele frequency attached by ClinVar (database versions not stated): gnomAD 0.00009 and 0.00012; ExAC 0.00010; gnomAD exomes 0.00013 and 0.00032; TOPMed 0.00015; ESP Exome Variant Server 0.00026; 1000 Genomes Project 0.00060; 1000 Genomes Project 30x 0.00062.
gnomAD v4.1: 483 of 1,613,582 alleles (0.03%); highest among the groups gnomAD compares: Non-Finnish European, 0.039%; no homozygotes.

Submissions (9):

Women's Health and Genetics/Laboratory Corporation of America, LabCorp
Classification: Likely benign. Last evaluated: 2026-05-15. Review status: criteria provided, single submitter. Criteria: LabCorp Variant Classification Summary - May 2015. Collection method: clinical testing. Allele origin: germline.
Comment: Variant summary: NEXN c.1435C>T (p.Leu479Phe) results in a non-conservative amino acid change in the encoded protein sequence. Algorithms developed to predict the effect of missense changes on protein structure and function are either unavailable or do not agree on the potential impact of this missense change. The variant allele was found at a frequency of 0.00013 in 249006 control chromosomes. The observed variant frequency exceeds the estimated maximal expected allele frequency for disease-causing variants in NEXN. c.1435C>T has been observed in at least one individual with hypertrophic cardiomyopathy and in an individual with dilated/non-dilated left ventricular cardiomyopathy, without strong evidence of causality (example: Thomson_2019, Perotto_2025). These reports do not provide unequivocal conclusions about association of the variant with disease. To our knowledge, no experimental evidence demonstrating an impact on protein function has been reported. The following publications have been ascertained in the context of this evaluation (PMID: 40680702, 30531895). ClinVar contains an entry for this variant (Variation ID: 201925). Based on the evidence outlined above, the variant was classified as likely benign.

Labcorp Genetics (formerly Invitae), Labcorp
Classification: Uncertain significance for Dilated cardiomyopathy 1CC; Hypertrophic cardiomyopathy 20. Last evaluated: 2026-01-27. Review status: criteria provided, single submitter. Criteria: Invitae Variant Classification Sherloc (09022015). Collection method: clinical testing. Allele origin: germline.
Comment: This sequence change replaces leucine, which is neutral and non-polar, with phenylalanine, which is neutral and non-polar, at codon 479 of the NEXN protein (p.Leu479Phe). This variant is present in population databases (rs181520023, gnomAD 0.03%). This variant has not been reported in the literature in individuals affected with NEXN-related conditions. ClinVar contains an entry for this variant (Variation ID: 201925). Invitae Evidence Modeling of protein sequence and biophysical properties (such as structural, functional, and spatial information, amino acid conservation, physicochemical variation, residue mobility, and thermodynamic stability) indicates that this missense variant is not expected to disrupt NEXN protein function with a negative predictive value of 80%. In summary, the available evidence is currently insufficient to determine the role of this variant in disease. Therefore, it has been classified as a Variant of Uncertain Significance.

Ambry Genetics
Classification: Likely benign for Cardiovascular phenotype. Last evaluated: 2026-01-22. Review status: criteria provided, single submitter. Criteria: Ambry Variant Classification Scheme 2023. Collection method: clinical testing. Allele origin: germline.

Blueprint Genetics
Classification: Likely benign. Last evaluated: 2024-09-10. Review status: criteria provided, single submitter. Criteria: ACMG Guidelines, 2015. Collection method: clinical testing. Allele origin: germline.

GeneDx
Classification: Uncertain significance. Last evaluated: 2024-07-05. Review status: criteria provided, single submitter. Criteria: GeneDx Variant Classification Process June 2021. Collection method: clinical testing. Allele origin: germline. Affected: yes.
Comment: Has not been previously published as pathogenic or benign to our knowledge; In silico analysis indicates that this missense variant does not alter protein structure/function

Stanford Center for Inherited Cardiovascular Disease, Stanford University
Classification: Uncertain significance. Last evaluated: 2013-08-25. Review status: criteria provided, single submitter. Criteria: ACMG Guidelines, 2015. Collection method: provider interpretation. Allele origin: germline.

Molecular Diagnostic Laboratory for Inherited Cardiovascular Disease, Montreal Heart Institute
Classification: Uncertain significance for Primary familial hypertrophic cardiomyopathy. Review status: criteria provided, single submitter. Criteria: ACMG Guidelines, 2015. Collection method: clinical testing. Allele origin: germline. Affected: yes.

Genome Diagnostics Laboratory, University Medical Center Utrecht
Classification: Likely benign. Review status: no assertion criteria provided. Collection method: clinical testing. Allele origin: germline. Affected: yes. Study: VKGL Data-share Consensus. Not counted in ClinVar's aggregate classification.

Joint Genome Diagnostic Labs from Nijmegen and Maastricht, Radboudumc and MUMC+
Classification: Likely benign. Review status: no assertion criteria provided. Collection method: clinical testing. Allele origin: germline. Affected: yes. Study: VKGL Data-share Consensus. Not counted in ClinVar's aggregate classification.

Literature cited by the submitters: PubMed 30531895 (cited by Women's Health and Genetics/Laboratory Corporation of America, LabCorp and Ambry Genetics); PubMed 40680702 (cited by Women's Health and Genetics/Laboratory Corporation of America, LabCorp).